The following is an entry in ClinVar:

NM_000127.3(EXT1):c.770del (p.Pro257fs)

Gene: EXT1 (exostosin glycosyltransferase 1; minus strand). Cytogenetic location: 8q24.11.
Variant type: Deletion.
Coding change: c.770del on transcript NM_000127.3 (MANE Select); coding-DNA position 770, one base deleted (C; older notation c.770delC).
Protein change: p.Pro257fs; shifts the reading frame from proline 257.
Molecular consequence: frameshift variant.
Genome position (GRCh38, 1-based): chr8:118,110,277, G deleted on the plus strand (C on the coding strand, the reverse complement: EXT1 is on the minus strand); the first of 3 consecutive G bases (chr8:118,110,277-118,110,279); deleting any one gives the same sequence. VCF-style (leftmost placement, unchanged base first): chr8-118110276-AG-A. GRCh37 (hg19) VCF-style: chr8-119122515-AG-A.
Other names: short protein forms P257fs.
Identifiers: ClinVar variation 1453090 (VCV001453090.6), dbSNP rs2130041891, ClinGen allele CA2573142825.
Genomic context (GRCh38, chr8:118,110,276, plus strand): 5'-TGATCCTATCCCTGTCAGGTACCTCTTCCCCTTGAATACCAGCATGTACTTCCTGAGAGG[AG>A]GGATGGTGTTGAACTTCAAAAACCCCCTCTCCCCTCCTGTCCTGGGATGATCCTTAGAAA-3'

ClinVar aggregate classification (germline): Pathogenic (1 of 4 stars; one submission).

Conditions:
Multiple congenital exostosis (EXT). Also called: Multiple osteochondromas; MULTIPLE CARTILAGINOUS EXOSTOSES; Hereditary multiple exostoses; Hereditary multiple exostosis; Hereditary multiple osteochondromas; Multiple exostoses. Identifiers: Orphanet 321, MedGen C0015306, MONDO:0005508, HP:0002762.

Submission:

Labcorp Genetics (formerly Invitae), Labcorp
Classification: Pathogenic for Multiple congenital exostosis. Last evaluated: 2021-12-08. Review status: criteria provided, single submitter. Criteria: Invitae Variant Classification Sherloc (09022015). Collection method: clinical testing. Allele origin: germline.
Comment: This sequence change creates a premature translational stop signal (p.Pro257Leufs*16) in the EXT1 gene. It is expected to result in an absent or disrupted protein product. Loss-of-function variants in EXT1 are known to be pathogenic (PMID: 10679937, 11391482, 19810120). This variant is not present in population databases (gnomAD no frequency). This variant has not been reported in the literature in individuals affected with EXT1-related conditions. For these reasons, this variant has been classified as Pathogenic.

Literature cited by the submitters: PubMed 10679937; PubMed 11391482; PubMed 19810120.